The following is an entry in ClinVar:

ClinVar aggregate classification (germline): Conflicting classifications of pathogenicity. Review status: criteria provided, conflicting classifications (1 of 4 stars). 9 submissions from 5 submitters: Uncertain significance (6); Likely benign (3). Last evaluated 2025-10-01.

Conditions:
Dilated cardiomyopathy 1G (CMD1G). Identifiers: Orphanet 154, MedGen C1858763, MONDO:0011400, OMIM 604145.
Autosomal recessive limb-girdle muscular dystrophy type 2J (LGMDR10). Also called: MUSCULAR DYSTROPHY, LIMB-GIRDLE, AUTOSOMAL RECESSIVE 10; Limb-girdle muscular dystrophy, type 2J. Identifiers: Orphanet 140922, MedGen C1837342, MONDO:0012127, OMIM 608807.
Myopathy, myofibrillar, 9, with early respiratory failure (MFM9). Also called: EDSTROM MYOPATHY; MYOPATHY, PROXIMAL, WITH EARLY RESPIRATORY MUSCLE INVOLVEMENT; Myopathy, distal, with early respiratory failure, autosomal dominant; Hereditary myopathy with early respiratory failure. Identifiers: Orphanet 178464, Orphanet 34521, MedGen C1863599, MONDO:0011362, OMIM 603689.
Early-onset myopathy with fatal cardiomyopathy (CMYO5). Also called: CONGENITAL MYOPATHY 5 WITH CARDIOMYOPATHY; Salih Myopathy. Identifiers: Orphanet 289377, MedGen C2673677, MONDO:0012714, OMIM 611705. Disease mechanism: loss of function.
Tibial muscular dystrophy (TMD). Also called: UDD MYOPATHY; Tibial muscular dystrophy, tardive; Udd Distal Myopathy – Tibial Muscular Dystrophy. Identifiers: Orphanet 609, MedGen C1838244, MONDO:0010870, OMIM 600334.

Allele frequency attached by ClinVar (database versions not stated): TOPMed 0.00002; ExAC 0.00003; gnomAD 0.00001; gnomAD exomes 0.00002.
gnomAD v4.1: 28 of 1,606,974 alleles (0.0017%); highest among the groups gnomAD compares: East Asian, 0.0045%; no homozygotes.

Submissions (9):

Labcorp Genetics (formerly Invitae), Labcorp
Classification: Uncertain significance for Dilated cardiomyopathy 1G; Autosomal recessive limb-girdle muscular dystrophy type 2J. Last evaluated: 2025-10-01. Review status: criteria provided, single submitter. Criteria: Invitae Variant Classification Sherloc (09022015). Collection method: clinical testing. Allele origin: germline.
Comment: This sequence change replaces arginine, which is basic and polar, with glutamine, which is neutral and polar, at codon 35448 of the TTN protein (p.Arg35448Gln). This variant is present in population databases (rs369703073, gnomAD 0.01%). This variant has not been reported in the literature in individuals affected with TTN-related conditions. ClinVar contains an entry for this variant (Variation ID: 191809). An algorithm developed to predict the effect of missense changes on protein structure and function outputs the following: PolyPhen-2: "Not Available". The glutamine amino acid residue is found in multiple mammalian species, which suggests that this missense change does not adversely affect protein function. This variant is located in the M band of TTN (PMID: 25589632). Non-truncating variants in this region may be relevant for neuromuscular disorders, but have not been definitively shown to cause cardiomyopathy (PMID: 23975875). In summary, the available evidence is currently insufficient to determine the role of this variant in disease. Therefore, it has been classified as a Variant of Uncertain Significance.

Revvity Omics, Revvity
Classification: Uncertain significance. Last evaluated: 2023-04-13. Review status: criteria provided, single submitter. Criteria: ACMG Guidelines, 2015. Collection method: clinical testing. Allele origin: germline.

GeneDx
Classification: Likely benign. Last evaluated: 2018-04-24. Review status: criteria provided, single submitter. Criteria: GeneDx Variant Classification Process June 2021. Collection method: clinical testing. Allele origin: germline. Affected: yes.

Illumina Laboratory Services, Illumina
Classification: Uncertain significance for Early-onset myopathy with fatal cardiomyopathy. Last evaluated: 2018-01-13. Review status: criteria provided, single submitter. Criteria: ICSL Variant Classification Criteria 13 December 2019. Collection method: clinical testing. Allele origin: germline.

Illumina Laboratory Services, Illumina
Classification: Uncertain significance for Autosomal recessive limb-girdle muscular dystrophy type 2J. Last evaluated: 2018-01-13. Review status: criteria provided, single submitter. Criteria: ICSL Variant Classification Criteria 13 December 2019. Collection method: clinical testing. Allele origin: germline.

Illumina Laboratory Services, Illumina
Classification: Uncertain significance for Dilated cardiomyopathy 1G. Last evaluated: 2018-01-13. Review status: criteria provided, single submitter. Criteria: ICSL Variant Classification Criteria 13 December 2019. Collection method: clinical testing. Allele origin: germline.

Illumina Laboratory Services, Illumina
Classification: Likely benign for Tibial muscular dystrophy. Last evaluated: 2018-01-13. Review status: criteria provided, single submitter. Criteria: ICSL Variant Classification Criteria 13 December 2019. Collection method: clinical testing. Allele origin: germline.
Comment: This variant was observed in the ICSL laboratory as part of a predisposition screen in an ostensibly healthy population. It had not been previously curated by ICSL or reported in the Human Gene Mutation Database (HGMD: prior to June 1st, 2018), and was therefore a candidate for classification through an automated scoring system. Utilizing variant allele frequency, disease prevalence and penetrance estimates, and inheritance mode, an automated score was calculated to assess if this variant is too frequent to cause the disease. Based on the score and internal cut-off values, a variant classified as likely benign is not then subjected to further curation. The score for this variant resulted in a classification of likely benign for this disease.

Illumina Laboratory Services, Illumina
Classification: Likely benign for Myopathy, myofibrillar, 9, with early respiratory failure. Last evaluated: 2018-01-13. Review status: criteria provided, single submitter. Criteria: ICSL Variant Classification Criteria 13 December 2019. Collection method: clinical testing. Allele origin: germline.
Comment: the same text as in the submission from Illumina Laboratory Services, Illumina above.

Biesecker Lab/Clinical Genomics Section, National Institutes of Health
Classification: Uncertain significance. Last evaluated: 2013-06-24. Review status: criteria provided, single submitter. Criteria: Ng et al. (Circ Cardiovasc Genet. 2013). Collection method: research. Allele origin: unknown. Observed: 1 variant allele. Study: ClinSeq.
Comment: The study set was not selected for affection status in relation to any cancer. Pathogenicity categories were based on literature curation. See Pubmed ID:23861362 for details.

Medical sequencing

Literature cited by the submitters: PubMed 25589632 (cited by Labcorp Genetics (formerly Invitae), Labcorp); PubMed 23975875 (cited by Labcorp Genetics (formerly Invitae), Labcorp).

NM_001267550.2(TTN):c.106343G>A (p.Arg35448Gln)

Genes: TTN-AS1 (TTN antisense RNA 1; plus strand), TTN (titin; minus strand). Cytogenetic location: 2q31.2.
Variant type: single nucleotide variant.
Coding change: c.106343G>A on transcript NM_001267550.2 (MANE Select); coding-DNA position 106343, G replaced by A.
Protein change: p.Arg35448Gln; replaces arginine 35448 with glutamine.
Molecular consequence: missense variant.
Genome position (GRCh38, 1-based): chr2:178,530,272, C>T on the plus strand (G>A on the coding strand, the complement: TTN is on the minus strand). VCF-style: chr2-178530272-C-T. GRCh37 (hg19) VCF-style: chr2-179394999-C-T.
Other names: p.R33807Q:CGG>CAG; c.101420G>A, p.Arg33807Gln (NM_001256850.1); c.79148G>A, p.Arg26383Gln (NM_003319.4); c.98639G>A, p.Arg32880Gln (NM_133378.4); c.79523G>A, p.Arg26508Gln (NM_133432.3); c.79724G>A, p.Arg26575Gln (NM_133437.4); short protein forms R32880Q, R35448Q, R33807Q, R26508Q, R26383Q, R26575Q.
Identifiers: ClinVar variation 191809 (VCV000191809.16), dbSNP rs369703073, ClinGen allele CA302375.